The following is an entry in ClinVar:

ClinVar aggregate classification (germline): Pathogenic/Likely pathogenic. Review status: criteria provided, multiple submitters, no conflicts (2 of 4 stars). 2 submissions from 2 submitters: Pathogenic (1); Likely pathogenic (1). Last evaluated 2023-12-08.

Conditions:
Early-infantile DEE. Also called: Ohtahara syndrome; Early infantile epileptic encephalopathy with suppression bursts; Early infantile epileptic encephalopathy. Identifiers: Orphanet 1934, MedGen C0393706, MONDO:0800491.

Submissions (2):

Labcorp Genetics (formerly Invitae), Labcorp
Classification: Pathogenic for Early-infantile DEE. Last evaluated: 2023-12-08. Review status: criteria provided, single submitter. Criteria: Invitae Variant Classification Sherloc (09022015). Collection method: clinical testing. Allele origin: germline.
Comment: This variant, c.1692_1700del, results in the deletion of 3 amino acid(s) of the KCNQ2 protein (p.Met565_Val567del), but otherwise preserves the integrity of the reading frame. This variant is not present in population databases (gnomAD no frequency). This variant has been observed in individual(s) with clinical features of KCNQ2-related conditions (Invitae). ClinVar contains an entry for this variant (Variation ID: 1809769). This variant disrupts a region of the KCNQ2 protein in which other variant(s) (c.Val567Asp) have been determined to be pathogenic (PMID: 27888506, 29694806). This suggests that this is a clinically significant region of the protein, and that variants that disrupt it are likely to be disease-causing. For these reasons, this variant has been classified as Pathogenic.

Athena Diagnostics
Classification: Likely pathogenic. Last evaluated: 2021-08-12. Review status: criteria provided, single submitter. Criteria: Athena Diagnostics Criteria. Collection method: clinical testing. Allele origin: unknown.
Comment: This variant has not been reported in large, multi-ethnic general populations.

Literature cited by the submitters: PubMed 27888506 (cited by Labcorp Genetics (formerly Invitae), Labcorp); PubMed 29694806 (cited by Labcorp Genetics (formerly Invitae), Labcorp).

NM_172107.4(KCNQ2):c.1692_1700del (p.Met565_Val567del)

Gene: KCNQ2 (potassium voltage-gated channel subfamily Q member 2; minus strand). Cytogenetic location: 20q13.33.
Variant type: Deletion.
Coding change: c.1692_1700del on transcript NM_172107.4 (MANE Select); coding-DNA positions 1692 to 1700, 9 bases deleted (GATGGACGT; older notation c.1692_1700delGATGGACGT).
Protein change: p.Met565_Val567del.
Molecular consequence: inframe deletion.
Genome position (GRCh38, 1-based): chr20:63,413,513-63,413,521, ACGTCCATC deleted on the plus strand (GATGGACGT on the coding strand, the reverse complement: KCNQ2 is on the minus strand); deleting any 9 consecutive bases within chr20:63,413,513-63,413,526 gives the same sequence; the c. name uses the placement nearest the transcript's 3' end. VCF-style (leftmost placement, unchanged base first): chr20-63413512-GACGTCCATC-G. GRCh37 (hg19) VCF-style: chr20-62044865-GACGTCCATC-G.
Other names: c.1638_1646del, p.Met547_Val549del (NM_001382235.1, NM_172106.3); c.1608_1616del, p.Met537_Val539del (NM_004518.6); c.1599_1607del, p.Met534_Val536del (NM_172108.5).
Identifiers: ClinVar variation 1809769 (VCV001809769.4), dbSNP rs2516167608, ClinGen allele CA2580098456.